The following is an entry in ClinVar:

NM_002291.3(LAMB1):c.839G>A (p.Cys280Tyr)

Gene: LAMB1 (laminin subunit beta 1; minus strand). Cytogenetic location: 7q31.1.
Variant type: single nucleotide variant.
Coding change: c.839G>A on transcript NM_002291.3 (MANE Select); coding-DNA position 839, G replaced by A.
Protein change: p.Cys280Tyr; replaces cysteine 280 with tyrosine.
Molecular consequence: missense variant.
Genome position (GRCh38, 1-based): chr7:107,980,649, C>T on the plus strand (G>A on the coding strand, the complement: LAMB1 is on the minus strand). VCF-style: chr7-107980649-C-T. GRCh37 (hg19) VCF-style: chr7-107621094-C-T.
Other names: short protein forms C280Y.
Identifiers: ClinVar variation 2007272 (VCV002007272.4), dbSNP rs2535497716, ClinGen allele CA368879832.
Genomic context (GRCh38, chr7:107,980,649, plus strand): 5'-TGCACAGAGGGCTTACTTACCATTCCTTCCACTTCTTCATTGAATCCATCCACAGGGGCA[C>T]ATTCGCTGGCATGACCATAGCAGAAGCAATTTCCTCGAACCACCATATCATAAACTGCAT-3'
Protein context (NP_002282.2, residues 270-290): NCFCYGHASE[Cys280Tyr]APVDGFNEEV

ClinVar aggregate classification (germline): Uncertain significance (1 of 4 stars; one submission).

Allele frequency attached by ClinVar (database versions not stated): gnomAD exomes below 0.00001.
gnomAD v4.1: 2 of 1,614,134 alleles (0.00012%); highest among the groups gnomAD compares: Non-Finnish European, 0.00017%; no homozygotes.

Submission:

Labcorp Genetics (formerly Invitae), Labcorp
Classification: Uncertain significance. Last evaluated: 2022-07-01. Review status: criteria provided, single submitter. Criteria: Invitae Variant Classification Sherloc (09022015). Collection method: clinical testing. Allele origin: germline.
Comment: In summary, the available evidence is currently insufficient to determine the role of this variant in disease. Therefore, it has been classified as a Variant of Uncertain Significance. Algorithms developed to predict the effect of missense changes on protein structure and function (SIFT, PolyPhen-2, Align-GVGD) all suggest that this variant is likely to be disruptive. This variant has not been reported in the literature in individuals affected with LAMB1-related conditions. This variant is not present in population databases (gnomAD no frequency). This sequence change replaces cysteine, which is neutral and slightly polar, with tyrosine, which is neutral and polar, at codon 280 of the LAMB1 protein (p.Cys280Tyr).